The following is an entry in ClinVar:

NM_203447.4(DOCK8):c.636CCT[1] (p.Leu214del)

Gene: DOCK8 (dedicator of cytokinesis 8; plus strand). Cytogenetic location: 9p24.3.
Variant type: Microsatellite.
Coding change: c.636CCT[1] on transcript NM_203447.4 (MANE Select); one copy of the 3-base unit CCT starting at c.636; the reference has two copies in a row; one copy, 3 bases deleted.
Protein change: p.Leu214del; deletes leucine 214.
Molecular consequence: inframe deletion.
Genome position (GRCh38, 1-based): chr9:312,064-312,066, CCT deleted; deleting any 3 consecutive bases within chr9:312,061-312,066 gives the same sequence; the position shown is the placement nearest the transcript's 3' end. VCF-style (leftmost placement, unchanged base first): chr9-312060-ACCT-A. GRCh37 (hg19) VCF-style: chr9-312060-ACCT-A.
Other names: c.432CCT[1], p.Leu146del (NM_001190458.2, NM_001193536.2); short protein forms L146del, L214del.
Identifiers: ClinVar variation 3604354 (VCV003604354.2).
Genomic context (GRCh38, chr9:312,060, plus strand): 5'-GCCCCGTCACTGCCTGTGACTTTGACCTCCGCAGCCTGCAGCCTGACAAGCGGCTAGAAA[ACCT>A]CCTGCAGCAAGTGAGTGCCGAGGACTTTGAGAAGCAGAACGAGGAGGCCCGGAGGACCAA-3'

ClinVar aggregate classification (germline): Uncertain significance (1 of 4 stars; one submission).

Conditions:
Combined immunodeficiency due to DOCK8 deficiency (HIES2). Also called: HIES autosomal recessive; Hyper-IgE recurrent infection syndrome, autosomal recessive; HYPER-IgE RECURRENT INFECTION SYNDROME 2, AUTOSOMAL RECESSIVE; DOCK8 Deficiency; HYPER-IgE SYNDROME 2, AUTOSOMAL RECESSIVE, WITH RECURRENT INFECTIONS. Identifiers: Orphanet 217390, MedGen C4722305, MONDO:0009478, OMIM 243700.

Submission:

Labcorp Genetics (formerly Invitae), Labcorp
Classification: Uncertain significance for Combined immunodeficiency due to DOCK8 deficiency. Last evaluated: 2024-11-19. Review status: criteria provided, single submitter. Criteria: Invitae Variant Classification Sherloc (09022015). Collection method: clinical testing. Allele origin: germline.
Comment: This variant, c.639_641del, results in the deletion of 1 amino acid(s) of the DOCK8 protein (p.Leu214del), but otherwise preserves the integrity of the reading frame. This variant is not present in population databases (gnomAD no frequency). This variant has not been reported in the literature in individuals affected with DOCK8-related conditions. Experimental studies and prediction algorithms are not available or were not evaluated, and the functional significance of this variant is currently unknown. In summary, the available evidence is currently insufficient to determine the role of this variant in disease. Therefore, it has been classified as a Variant of Uncertain Significance.